The following is an entry in ClinVar:

NM_004448.4(ERBB2):c.1508A>G (p.Glu503Gly)

Gene: ERBB2 (erb-b2 receptor tyrosine kinase 2; plus strand). Cytogenetic location: 17q12.
Variant type: single nucleotide variant.
Coding change: c.1508A>G on transcript NM_004448.4 (MANE Select); coding-DNA position 1508, A replaced by G.
Protein change: p.Glu503Gly; replaces glutamic acid 503 with glycine.
Molecular consequence: missense variant. On other transcripts: non-coding transcript variant (1), intron variant (1).
Genome position (GRCh38, 1-based): chr17:39,715,934, A>G. VCF-style: chr17-39715934-A-G. GRCh37 (hg19) VCF-style: chr17-37872187-A-G.
Other names: c.1418A>G, p.Glu473Gly (NM_001005862.3, NM_001289938.2, NM_001382782.1 and 1 more transcripts); c.1463A>G, p.Glu488Gly (NM_001289936.2); c.1508A>G, p.Glu503Gly (NM_001289937.2, NM_001382785.1, NM_001382788.1 and 12 more transcripts); c.1625A>G, p.Glu542Gly (NM_001382784.1, NM_001382786.1); c.1583A>G, p.Glu528Gly (NM_001382787.1); c.1529A>G, p.Glu510Gly (NM_001382789.1); c.1499A>G, p.Glu500Gly (NM_001382791.1); c.1328A>G, p.Glu443Gly (NM_001382799.1); and 3 more; short protein forms E227G, E417G, E503G, E488G, E473G, E443G, E500G, E510G.
Identifiers: ClinVar variation 4744782 (VCV004744782.1).
Genomic context (GRCh38, chr17:39,715,934, plus strand): 5'-ACCAGCTCTTTCGGAACCCGCACCAAGCTCTGCTCCACACTGCCAACCGGCCAGAGGACG[A>G]GTGTGGTAAGACAGGGAGCCCAGTGTGCGCACTCCCCATCTGCCAGCACACAGCAGTGCC-3'
Protein context (NP_004439.2, residues 493-513): LLHTANRPED[Glu503Gly]CVGEGLACHQ

ClinVar aggregate classification (germline): Uncertain significance (1 of 4 stars; one submission).

Submission:

Labcorp Genetics (formerly Invitae), Labcorp
Classification: Uncertain significance. Last evaluated: 2025-05-23. Review status: criteria provided, single submitter. Criteria: Invitae Variant Classification Sherloc (09022015). Collection method: clinical testing. Allele origin: germline.
Comment: This sequence change replaces glutamic acid, which is acidic and polar, with glycine, which is neutral and non-polar, at codon 503 of the ERBB2 protein (p.Glu503Gly). This variant is not present in population databases (gnomAD no frequency). This variant has not been reported in the literature in individuals affected with ERBB2-related conditions. Invitae Evidence Modeling of protein sequence and biophysical properties (such as structural, functional, and spatial information, amino acid conservation, physicochemical variation, residue mobility, and thermodynamic stability) indicates that this missense variant is not expected to disrupt ERBB2 protein function with a negative predictive value of 80%. In summary, the available evidence is currently insufficient to determine the role of this variant in disease. Therefore, it has been classified as a Variant of Uncertain Significance.